The following is an entry in ClinVar:

NM_001387283.1(SMARCA4):c.4186G>A (p.Asp1396Asn)

Gene: SMARCA4 (SWI/SNF related BAF chromatin remodeling complex subunit ATPase 4; plus strand). Cytogenetic location: 19p13.2.
Variant type: single nucleotide variant.
Coding change: c.4186G>A on transcript NM_001387283.1 (MANE Plus Clinical); coding-DNA position 4186, G replaced by A.
Protein change: p.Asp1396Asn; replaces aspartic acid 1396 with asparagine.
Molecular consequence: missense variant. On other transcripts: intron variant (7).
Genome position (GRCh38, 1-based): chr19:11,039,473, G>A. VCF-style: chr19-11039473-G-A. GRCh37 (hg19) VCF-style: chr19-11150149-G-A.
Other names: c.4186G>A, p.Asp1396Asn (NM_001128849.3); c.4087G>A, p.Asp1363Asn (NM_001411150.1); c.4171-1834G>A (NM_001128844.3, NM_003072.5); c.4072-1834G>A (NM_001128847.4, NM_001374457.1, NM_001128848.2); c.4072-1825G>A (NM_001128845.2, NM_001128846.2); short protein forms D1363N, D1396N.
Identifiers: ClinVar variation 4170155 (VCV004170155.1).

ClinVar aggregate classification (germline): Uncertain significance (1 of 4 stars; one submission).

Conditions:
Hereditary cancer-predisposing syndrome. Also called: Neoplastic Syndromes, Hereditary; Tumor predisposition; Hereditary Cancer Syndrome; Hereditary neoplastic syndrome. Identifiers: Orphanet 140162, MedGen C0027672, MeSH D009386, MONDO:0015356.

Submission:

Ambry Genetics
Classification: Uncertain significance for Hereditary cancer-predisposing syndrome. Last evaluated: 2025-07-13. Review status: criteria provided, single submitter. Criteria: Ambry Variant Classification Scheme 2023. Collection method: clinical testing. Allele origin: germline.
Comment: The p.D1396N variant (also known as c.4186G>A), located in coding exon 29 of the SMARCA4 gene, results from a G to A substitution at nucleotide position 4186. The aspartic acid at codon 1396 is replaced by asparagine, an amino acid with highly similar properties. This amino acid position is conserved. In addition, this alteration is predicted to be tolerated by in silico analysis. Based on the available evidence, the clinical significance of this variant remains unclear.